The following is an entry in ClinVar:

NM_001034853.2(RPGR):c.2566G>A (p.Gly856Arg)

Gene: RPGR (retinitis pigmentosa GTPase regulator; minus strand). Cytogenetic location: Xp11.4.
Variant type: single nucleotide variant.
Coding change: c.2566G>A on transcript NM_001034853.2 (MANE Select); coding-DNA position 2566, G replaced by A.
Protein change: p.Gly856Arg; replaces glycine 856 with arginine.
Molecular consequence: missense variant. On other transcripts: intron variant (8).
Genome position (GRCh38, 1-based): chrX:38,286,433, C>T on the plus strand (G>A on the coding strand, the complement: RPGR is on the minus strand). VCF-style: chrX-38286433-C-T. GRCh37 (hg19) VCF-style: chrX-38145686-C-T.
Other names: c.1569+4526G>A (NM_001367249.1, NM_001367250.1); c.1902+661G>A (NM_001367245.1); c.1386+4526G>A (NM_001367251.1); c.1719+661G>A (NM_001367246.1); c.1572+4526G>A (NM_001367247.1); c.1905+661G>A (NM_000328.3); c.1602+4526G>A (NM_001367248.1); short protein forms G856R.
Identifiers: ClinVar variation 2187529 (VCV002187529.4), dbSNP rs2067172951, ClinGen allele CA412730340.

ClinVar aggregate classification (germline): Uncertain significance (1 of 4 stars; one submission).

Conditions:
Primary ciliary dyskinesia. Also called: Ciliary dyskinesia. Identifiers: Orphanet 244, MedGen C0008780, MONDO:0016575, HP:0012265.

Submission:

Labcorp Genetics (formerly Invitae), Labcorp
Classification: Uncertain significance for Primary ciliary dyskinesia. Last evaluated: 2022-05-31. Review status: criteria provided, single submitter. Criteria: Invitae Variant Classification Sherloc (09022015). Collection method: clinical testing. Allele origin: germline.
Comment: This sequence change replaces glycine, which is neutral and non-polar, with arginine, which is basic and polar, at codon 856 of the RPGR (ORF15) protein (p.Gly856Arg). This variant is not present in population databases (gnomAD no frequency). This variant has not been reported in the literature in individuals affected with RPGR (ORF15)-related conditions. Algorithms developed to predict the effect of missense changes on protein structure and function output the following: SIFT: "Not Available"; PolyPhen-2: "Not Available"; Align-GVGD: "Not Available". The arginine amino acid residue is found in multiple mammalian species, which suggests that this missense change does not adversely affect protein function. In summary, the available evidence is currently insufficient to determine the role of this variant in disease. Therefore, it has been classified as a Variant of Uncertain Significance.